The following is an entry in ClinVar:

ClinVar aggregate classification (germline): Pathogenic (1 of 4 stars; one submission).

Conditions:
Developmental and epileptic encephalopathy, 25 (DEE25). Also called: Developmental and epileptic encephalopathy 25, with amelogenesis imperfecta; Epileptic encephalopathy, early infantile, 25, with amelogenesis imperfecta; Epileptic encephalopathy, early infantile, 25. Identifiers: Orphanet 442835, MedGen C4014621, MONDO:0014392, OMIM 615905.

Submission:

Labcorp Genetics (formerly Invitae), Labcorp
Classification: Pathogenic for Developmental and epileptic encephalopathy, 25. Last evaluated: 2023-10-03. Review status: criteria provided, single submitter. Criteria: Invitae Variant Classification Sherloc (09022015). Collection method: clinical testing. Allele origin: germline.
Comment: This sequence change creates a premature translational stop signal (p.Ser6Cysfs*134) in the SLC13A5 gene. It is expected to result in an absent or disrupted protein product. Loss-of-function variants in SLC13A5 are known to be pathogenic (PMID: 24995870, 26384929). This variant is not present in population databases (gnomAD no frequency). This variant has not been reported in the literature in individuals affected with SLC13A5-related conditions. For these reasons, this variant has been classified as Pathogenic.

Literature cited by the submitters: PubMed 24995870; PubMed 26384929.

NM_177550.5(SLC13A5):c.15_19del (p.Ser6fs)

Gene: SLC13A5 (solute carrier family 13 member 5; minus strand). Cytogenetic location: 17p13.1.
Variant type: Deletion.
Coding change: c.15_19del on transcript NM_177550.5 (MANE Select); coding-DNA positions 15 to 19, 5 bases deleted (GAGCT; older notation c.15_19delGAGCT).
Protein change: p.Ser6fs; shifts the reading frame from serine 6.
Molecular consequence: frameshift variant.
Genome position (GRCh38, 1-based): chr17:6,713,315-6,713,319, AGCTC deleted on the plus strand (GAGCT on the coding strand, the reverse complement: SLC13A5 is on the minus strand); deleting any 5 consecutive bases within chr17:6,713,315-6,713,322 gives the same sequence; the c. name uses the placement nearest the transcript's 3' end. VCF-style (leftmost placement, unchanged base first): chr17-6713314-TAGCTC-T. GRCh37 (hg19) VCF-style: chr17-6616633-TAGCTC-T.
Other names: c.15_19del, p.Ser6fs (NM_001143838.3, NM_001284509.2, NM_001284510.2); short protein forms S6fs.
Identifiers: ClinVar variation 2760744 (VCV002760744.3), dbSNP rs2544661194, ClinGen allele CA2697559376.